The following is an entry in ClinVar:

NM_003906.5(MCM3AP):c.3381G>A (p.Thr1127=)

Gene: MCM3AP (minichromosome maintenance complex component 3 associated protein; minus strand). Cytogenetic location: 21q22.3.
Variant type: single nucleotide variant.
Coding change: c.3381G>A on transcript NM_003906.5 (MANE Select); coding-DNA position 3381, G replaced by A.
Protein change: p.Thr1127=; no amino-acid change (threonine 1127 retained).
Molecular consequence: synonymous variant.
Genome position (GRCh38, 1-based): chr21:46,261,366, C>T on the plus strand (G>A on the coding strand, the complement: MCM3AP is on the minus strand). VCF-style: chr21-46261366-C-T. GRCh37 (hg19) VCF-style: chr21-47681280-C-T.
Identifiers: ClinVar variation 1628181 (VCV001628181.11), dbSNP rs774718810, ClinGen allele CA10076506.

ClinVar aggregate classification (germline): Likely benign. Review status: criteria provided, multiple submitters, no conflicts (2 of 4 stars). 2 submissions from 2 submitters: Likely benign (2). Last evaluated 2026-06-01.

Allele frequency attached by ClinVar (database versions not stated): gnomAD 0.00008; ExAC 0.00009; gnomAD exomes 0.00010; TOPMed 0.00010.
gnomAD v4.1: 63 of 1,613,910 alleles (0.0039%); highest among the groups gnomAD compares: Admixed American, 0.033%; no homozygotes.

Submissions (2):

CeGaT Center for Human Genetics Tuebingen
Classification: Likely benign. Last evaluated: 2026-06-01. Review status: criteria provided, single submitter. Criteria: CeGaT Center For Human Genetics Tuebingen Variant Classification Criteria Version 2. Collection method: clinical testing. Allele origin: germline. Affected: yes. Observed: 1 variant allele.
Comment: MCM3AP: BP4, BP7

Labcorp Genetics (formerly Invitae), Labcorp
Classification: Likely benign. Last evaluated: 2025-11-20. Review status: criteria provided, single submitter. Criteria: Invitae Variant Classification Sherloc (09022015). Collection method: clinical testing. Allele origin: germline.